The following is an entry in ClinVar:

NM_001374259.2(IL12RB2):c.791G>A (p.Ser264Asn)

Gene: IL12RB2 (interleukin 12 receptor subunit beta 2; plus strand). Cytogenetic location: 1p31.3.
Variant type: single nucleotide variant.
Coding change: c.791G>A on transcript NM_001374259.2 (MANE Select); coding-DNA position 791, G replaced by A.
Protein change: p.Ser264Asn; replaces serine 264 with asparagine.
Molecular consequence: missense variant. On other transcripts: non-coding transcript variant (2).
Genome position (GRCh38, 1-based): chr1:67,329,713, G>A. VCF-style: chr1-67329713-G-A. GRCh37 (hg19) VCF-style: chr1-67795396-G-A.
Other names: c.791G>A, p.Ser264Asn (NM_001258214.1, NM_001258215.1, NM_001258216.1 and 2 more transcripts); short protein forms S264N.
Identifiers: ClinVar variation 1401919 (VCV001401919.9), dbSNP rs141167354, ClinGen allele CA900287.

ClinVar aggregate classification (germline): Uncertain significance (1 of 4 stars; one submission).

Allele frequency attached by ClinVar (database versions not stated): gnomAD exomes 0.00001 and 0.00003; ExAC 0.00004; TOPMed 0.00010; gnomAD 0.00012 and 0.00013; ESP Exome Variant Server 0.00015.
gnomAD v4.1: 30 of 1,607,336 alleles (0.0019%); highest among the groups gnomAD compares: African/African-American, 0.037%; no homozygotes.

Submission:

Labcorp Genetics (formerly Invitae), Labcorp
Classification: Uncertain significance. Last evaluated: 2023-11-20. Review status: criteria provided, single submitter. Criteria: Invitae Variant Classification Sherloc (09022015). Collection method: clinical testing. Allele origin: germline.
Comment: This sequence change replaces serine, which is neutral and polar, with asparagine, which is neutral and polar, at codon 264 of the IL12RB2 protein (p.Ser264Asn). This variant is present in population databases (rs141167354, gnomAD 0.03%). This variant has not been reported in the literature in individuals affected with IL12RB2-related conditions. ClinVar contains an entry for this variant (Variation ID: 1401919). An algorithm developed to predict the effect of missense changes on protein structure and function (PolyPhen-2) suggests that this variant is likely to be tolerated. In summary, the available evidence is currently insufficient to determine the role of this variant in disease. Therefore, it has been classified as a Variant of Uncertain Significance.